The following is an entry in ClinVar:

ClinVar aggregate classification (germline): Uncertain significance (1 of 4 stars; one submission).

Submission:

GeneDx
Classification: Uncertain significance. Last evaluated: 2024-07-08. Review status: criteria provided, single submitter. Criteria: GeneDx Variant Classification Process June 2021. Collection method: clinical testing. Allele origin: germline. Affected: yes.
Comment: Frameshift variant predicted to result in abnormal protein length as the last 6 amino acids are replaced with 4 different amino acids; Not observed at significant frequency in large population cohorts (gnomAD); Has not been previously published as pathogenic or benign to our knowledge

NM_001040142.2(SCN2A):c.5997dup (p.Ile2000fs)

Gene: SCN2A (sodium voltage-gated channel alpha subunit 2; plus strand). Cytogenetic location: 2q24.3.
Variant type: Duplication.
Coding change: c.5997dup on transcript NM_001040142.2 (MANE Select); coding-DNA position 5997, one base duplicated (T; older notation c.5997dupT).
Protein change: p.Ile2000fs; shifts the reading frame from isoleucine 2000.
Molecular consequence: frameshift variant.
Genome position (GRCh38, 1-based): chr2:165,389,803, T duplicated. VCF-style (leftmost placement, unchanged base first): chr2-165389802-A-AT. GRCh37 (hg19) VCF-style: chr2-166246312-A-AT.
Other names: c.5997dup, p.Ile2000fs (NM_001040143.2, NM_001371246.1, NM_001371247.1 and 1 more transcripts); short protein forms I2000fs.
Identifiers: ClinVar variation 3572576 (VCV003572576.1).
Genomic context (GRCh38, chr2:165,389,802, plus strand): 5'-CCAAACCAGAAAAAGAAAAATTTGAAAAAGACAAATCAGAAAAGGAAGACAAAGGGAAAG[A>AT]TATCAGGGAAAGTAAAAAGTAAAAAGAAACCAAGAATTTTCCATTTTGTGATCAATTGTT-3'